The following is an entry in ClinVar:

NM_000454.5(SOD1):c.37G>A (p.Gly13Ser)

Genes: SOD1-DT (SOD1 divergent transcript; minus strand), SOD1 (superoxide dismutase 1; plus strand). Cytogenetic location: 21q22.11.
Variant type: single nucleotide variant.
Coding change: c.37G>A on transcript NM_000454.5 (MANE Select); coding-DNA position 37, G replaced by A.
Protein change: p.Gly13Ser; replaces glycine 13 with serine.
Molecular consequence: missense variant. On other transcripts: non-coding transcript variant (1).
Genome position (GRCh38, 1-based): chr21:31,659,806, G>A. VCF-style: chr21-31659806-G-A. GRCh37 (hg19) VCF-style: chr21-33032119-G-A.
Other names: short protein forms G13S.
Identifiers: ClinVar variation 3637813 (VCV003637813.2).

ClinVar aggregate classification (germline): Uncertain significance (1 of 4 stars; one submission).

Conditions:
Amyotrophic lateral sclerosis type 1 (ALS1). Also called: AMYOTROPHIC LATERAL SCLEROSIS 1, FAMILIAL. Identifiers: Orphanet 803, MedGen C1862939, MONDO:0007103, OMIM 105400.

gnomAD v4.1: 1 of 1,613,862 alleles (0.000062%); highest among the groups gnomAD compares: Admixed American, 0.0017%; no homozygotes.

Submission:

Labcorp Genetics (formerly Invitae), Labcorp
Classification: Uncertain significance for Amyotrophic lateral sclerosis type 1. Last evaluated: 2024-06-30. Review status: criteria provided, single submitter. Criteria: Invitae Variant Classification Sherloc (09022015). Collection method: clinical testing. Allele origin: germline.
Comment: This sequence change replaces glycine, which is neutral and non-polar, with serine, which is neutral and polar, at codon 13 of the SOD1 protein (p.Gly13Ser). This variant is not present in population databases (gnomAD no frequency). This variant has not been reported in the literature in individuals affected with SOD1-related conditions. Advanced modeling of protein sequence and biophysical properties (such as structural, functional, and spatial information, amino acid conservation, physicochemical variation, residue mobility, and thermodynamic stability) performed at Invitae indicates that this missense variant is not expected to disrupt SOD1 protein function with a negative predictive value of 95%. This variant disrupts the p.Gly13 amino acid residue in SOD1. Other variant(s) that disrupt this residue have been determined to be pathogenic (PMID: 11369193, 14506936, 28035186). This suggests that this residue is clinically significant, and that variants that disrupt this residue are likely to be disease-causing. In summary, the available evidence is currently insufficient to determine the role of this variant in disease. Therefore, it has been classified as a Variant of Uncertain Significance.

Literature cited by the submitters: PubMed 11369193; PubMed 14506936; PubMed 28035186.